The following is an entry in ClinVar:

NM_000548.5(TSC2):c.1684A>T (p.Thr562Ser)

Gene: TSC2 (TSC complex subunit 2; plus strand). Cytogenetic location: 16p13.3.
Variant type: single nucleotide variant.
Coding change: c.1684A>T on transcript NM_000548.5 (MANE Select); coding-DNA position 1684, A replaced by T.
Protein change: p.Thr562Ser; replaces threonine 562 with serine.
Molecular consequence: missense variant. On other transcripts: non-coding transcript variant (5).
Genome position (GRCh38, 1-based): chr16:2,065,603, A>T. VCF-style: chr16-2065603-A-T. GRCh37 (hg19) VCF-style: chr16-2115604-A-T.
Other names: c.1684A>T, p.Thr562Ser (NM_001077183.3, NM_001114382.3, NM_001363528.2 and 6 more transcripts); c.1573A>T, p.Thr525Ser (NM_001318827.2, NM_001406670.1, NM_001406678.1); c.1537A>T, p.Thr513Ser (NM_001318829.2, NM_001406675.1, NM_001406676.1 and 1 more transcripts); c.1084A>T, p.Thr362Ser (NM_001318831.2, NM_001406680.1, NM_001406682.1 and 6 more transcripts); c.1717A>T, p.Thr573Ser (NM_001318832.2); c.1774A>T, p.Thr592Ser (NM_001406667.1, NM_001406668.1); c.1672A>T, p.Thr558Ser (NM_001406671.1, NM_001406673.1); c.1627A>T, p.Thr543Ser (NM_001406677.1); and 3 more; short protein forms T114S, T408S, T562S, T513S, T525S, T543S, T573S, T362S.
Identifiers: ClinVar variation 3462588 (VCV003462588.1).

ClinVar aggregate classification (germline): Uncertain significance (1 of 4 stars; one submission).

Conditions:
Hereditary cancer-predisposing syndrome. Also called: Tumor predisposition; Neoplastic Syndromes, Hereditary; Hereditary neoplastic syndrome; Hereditary Cancer Syndrome. Identifiers: Orphanet 140162, MedGen C0027672, MeSH D009386, MONDO:0015356.

gnomAD v4.1: 1 of 1,613,786 alleles (0.000062%); highest among the groups gnomAD compares: Non-Finnish European, 0.000085%; no homozygotes.

Submission:

Ambry Genetics
Classification: Uncertain significance for Hereditary cancer-predisposing syndrome. Last evaluated: 2024-07-15. Review status: criteria provided, single submitter. Criteria: Ambry Variant Classification Scheme 2023. Collection method: clinical testing. Allele origin: germline.
Comment: The p.T562S variant (also known as c.1684A>T), located in coding exon 15 of the TSC2 gene, results from an A to T substitution at nucleotide position 1684. The threonine at codon 562 is replaced by serine, an amino acid with similar properties. This amino acid position is conserved. In addition, the in silico prediction for this alteration is inconclusive. Based on the available evidence, the clinical significance of this variant remains unclear.